The following is an entry in ClinVar:

ClinVar aggregate classification (germline): Pathogenic. Review status: criteria provided, multiple submitters, no conflicts (2 of 4 stars). 24 submissions from 23 submitters: Pathogenic (19). 5 of the submissions do not count toward it. Last evaluated 2026-01-20.

Conditions:
GJB2-related disorder. Also called: GJB2-related condition; GJB2-related disorders. Identifiers: MedGen CN382183, MONDO:1060236.
Rare genetic deafness. Identifiers: Orphanet 96210, MedGen C5680250.
Hearing loss. Identifiers: MedGen C3887873.
Autosomal recessive nonsyndromic hearing loss 1A (DFNB1A). Also called: Deafness, autosomal recessive 1A; GJB2-Related Autosomal Recessive Nonsyndromic Hearing Loss; Connexin 26 deafness; Deafness nonsyndromic, Connexin 26 linked; Nonsyndromic Hearing Loss and Deafness, DFNB1; GJB6-Related DFNB 1 Nonsyndromic Hearing Loss and Deafness. Identifiers: Orphanet 90636, MedGen C2673759, MONDO:0009076, OMIM 220290.
Palmoplantar keratoderma-deafness syndrome. Also called: Keratoderma palmoplantar, with deafness; Palmoplantar keratoderma and sensorineural deafness; Hereditary palmoplantar keratoderma with deafness (subtype); Focal palmoplantar keratoderma with sensorineural deafness (subtype); Diffuse palmoplantar keratoderma with deafness (subtype). Identifiers: Orphanet 2202, MedGen C1835672, MONDO:0007852, OMIM 148350.
Knuckle pads, deafness AND leukonychia syndrome. Also called: Bart-Pumphrey syndrome. Identifiers: Orphanet 2698, MedGen C0266004, MONDO:0007866, OMIM 149200.
Autosomal dominant keratitis-ichthyosis-hearing loss syndrome. Also called: HID SYNDROME; KID SYNDROME, AUTOSOMAL DOMINANT; Senter syndrome. Identifiers: Orphanet 477, MedGen C0265336, MONDO:0007850, OMIM 148210.
X-linked mixed hearing loss with perilymphatic gusher. Also called: NANCE DEAFNESS; Gusher syndrome; PERILYMPHATIC GUSHER-DEAFNESS SYNDROME; SENSORINEURAL DEAFNESS, PROFOUND, WITH OR WITHOUT A CONDUCTIVE COMPONENT, ASSOCIATED WITH A UNIQUE DEVELOPMENTAL ABNORMALITY OF THE EAR; Deafness, X-linked 2. Identifiers: Orphanet 383, MedGen C1844678, MONDO:0010576, OMIM 304400.
Autosomal dominant nonsyndromic hearing loss 3A. Identifiers: Orphanet 90635, MedGen C2675750, MONDO:0011103, OMIM 601544.
Ichthyosis, hystrix-like, with hearing loss. Also called: Hystrix-like ichthyosis with deafness. Identifiers: Orphanet 477, MedGen C1865234, MONDO:0011245.
Mutilating keratoderma (VOWNKL). Also called: Keratoderma hereditarium mutilans. Identifiers: Orphanet 494, MedGen C0265964, MONDO:0007422, OMIM 124500.
Nonsyndromic genetic hearing loss. Also called: Nonsyndromic hearing loss and deafness; Non-syndromic genetic deafness; Nonsyndromic genetic deafness. Identifiers: Orphanet 87884, MedGen C5680182, MONDO:0019497.

Allele frequency attached by ClinVar (database versions not stated): gnomAD 0.00003; TOPMed 0.00005; gnomAD exomes 0.00003 and 0.00006; ExAC 0.00004.

Submissions 1 to 7 of 24:

3billion
Classification: Pathogenic for Autosomal recessive nonsyndromic hearing loss 1A. Last evaluated: 2026-01-20. Review status: criteria provided, single submitter. Criteria: ACMG Guidelines, 2015. Collection method: clinical testing. Allele origin: germline. Affected: yes.
Comment: The variant is observed at an extremely low frequency in the gnomAD v4.1.0 dataset (total allele frequency: 0.003%). Predicted Consequence/Location: Missense variant Functional studies provide strong evidence of the variant having a damaging effect on the gene or gene product (PMID: 12505163, 18941476). In silico tool predictions suggest damaging effect of the variant on gene or gene product [REVEL: 0.98 (>=0.6, sensitivity 0.68 and specificity 0.92); 3Cnet: 0.99 (> 0.75, sensitivity 0.96 and precision 0.92)]. The same nucleotide change resulting in the same amino acid change has been previously reported as pathogenic/likely pathogenic with strong evidence (ClinVar ID: VCV000017007 /PMID: 10544226). Different missense changes at the same codon (p.Arg184Gln, p.Arg184Gly, p.Arg184Trp) have been reported as pathogenic/likely pathogenic with strong evidence (ClinVar ID: VCV000029662, VCV000560669, VCV004535899 /PMID: 10830906, 11439000, 12497637 /3billion dataset). Therefore, this variant is classified as Pathogenic according to the recommendation of ACMG/AMP guideline.

Greenwood Genetic Center Diagnostic Laboratories, Greenwood Genetic Center
Classification: Pathogenic for GJB2-related disorder. Last evaluated: 2025-11-25. Review status: criteria provided, single submitter. Criteria: ACMG Guidelines, 2015. Collection method: clinical testing. Allele origin: germline. Affected: yes.
Comment: PS3_Moderate, PM2, PM3_Very Strong, PM5, PP3

PreventionGenetics, part of Exact Sciences
Classification: Pathogenic for GJB2-related condition. Last evaluated: 2025-10-28. Review status: criteria provided, single submitter. Criteria: ACMG Guidelines, 2015. Collection method: clinical testing. Allele origin: germline.
Comment: The GJB2 c.551G>C variant is predicted to result in the amino acid substitution p.Arg184Pro. This variant has been reported to be causative for autosomal recessive nonsyndromic hearing loss (Dodson et al. 2011. PubMed ID: 21465647; Mani et al. 2009. PubMed ID: 18941476; Table S4, Batissoco et al. 2021. PubMed ID: 34599368; Table S2, Ma et al. 2023. PubMed ID: 36597107). Functional studies suggested that this variant results in complete absence of hemichannel formation, which in turn affects gap junction intercellular communication (Thönnissen et al. 2002. PubMed ID: 12189493). This variant is reported in 0.011% of alleles in individuals of Latino descent in gnomAD. This variant is interpreted as pathogenic.

Labcorp Genetics (formerly Invitae), Labcorp
Classification: Pathogenic. Last evaluated: 2025-09-15. Review status: criteria provided, single submitter. Criteria: Invitae Variant Classification Sherloc (09022015). Collection method: clinical testing. Allele origin: germline.
Comment: This sequence change replaces arginine, which is basic and polar, with proline, which is neutral and non-polar, at codon 184 of the GJB2 protein (p.Arg184Pro). This variant is present in population databases (rs80338950, gnomAD 0.009%). This missense change has been observed in individuals with autosomal recessive non-syndromic deafness (PMID: 10874298, 18941476, 19371219, 25708704, 26117665). It has also been observed to segregate with disease in related individuals. ClinVar contains an entry for this variant (Variation ID: 17007). Invitae Evidence Modeling of protein sequence and biophysical properties (such as structural, functional, and spatial information, amino acid conservation, physicochemical variation, residue mobility, and thermodynamic stability) indicates that this missense variant is expected to disrupt GJB2 protein function with a positive predictive value of 95%. Experimental studies have shown that this missense change affects GJB2 function (PMID: 12176036, 12189493, 12505163, 15241677, 18941476). For these reasons, this variant has been classified as Pathogenic.

Natera, Inc.
Classification: Pathogenic for Autosomal recessive deafness type 1A. Last evaluated: 2025-06-08. Review status: criteria provided, single submitter. Criteria: Natera Variant Classification Schema (03/2026). Collection method: clinical testing. Allele origin: germline.
Comment: The c.551G>C variant in GJB2 is a missense variant predicted to cause substitution of arginine to proline at amino acid 184. This variant is rare in the general population with a frequency below the threshold expected for the associated phenotype(s). This variant has been observed in one or more individuals affected with the associated recessive disease, as either homozygous or compound heterozygous with a second variant (PMID: 22695344). A different variant at the same position has been determined to be Pathogenic or Likely Pathogenic. Computational prediction algorithms indicate this variant is likely to affect gene or protein function. Given the available evidence, this variant is classified as Pathogenic.

Blueprint Genetics
Classification: Pathogenic for GJB2-related disorders. Last evaluated: 2024-11-21. Review status: criteria provided, single submitter. Criteria: ACMG Guidelines, 2015. Collection method: clinical testing. Allele origin: germline. Affected: yes. Observed: 5 variant alleles.

Fulgent Genetics
Classification: Pathogenic for Mutilating keratoderma; Autosomal dominant keratitis-ichthyosis-hearing loss syndrome; Palmoplantar keratoderma-deafness syndrome; Knuckle pads, deafness AND leukonychia syndrome; Autosomal recessive nonsyndromic hearing loss 1A; Autosomal dominant nonsyndromic hearing loss 3A. Last evaluated: 2024-05-23. Review status: criteria provided, single submitter. Criteria: ACMG Guidelines, 2015. Collection method: clinical testing. Allele origin: germline.

NM_004004.6(GJB2):c.551G>C (p.Arg184Pro)

Gene: GJB2 (gap junction protein beta 2; minus strand). Cytogenetic location: 13q12.11.
Variant type: single nucleotide variant.
Coding change: c.551G>C on transcript NM_004004.6 (MANE Select); coding-DNA position 551, G replaced by C.
Protein change: p.Arg184Pro; replaces arginine 184 with proline.
Molecular consequence: missense variant.
Genome position (GRCh38, 1-based): chr13:20,189,031, C>G on the plus strand (G>C on the coding strand, the complement: GJB2 is on the minus strand). VCF-style: chr13-20189031-C-G. GRCh37 (hg19) VCF-style: chr13-20763170-C-G.
Other names: short protein forms R184P.
Identifiers: ClinVar variation 17007 (VCV000017007.78), dbSNP rs80338950, ClinGen allele CA341438.
Genomic context (GRCh38, chr13:20,189,031, plus strand): 5'-AGGATGCAAATTCCAGACACTGCAATCATGAACACTGTGAAGACAGTCTTCTCCGTGGGC[C>G]GGGACACAAAGCAGTCCACAGTGTTGGGACAAGGCCAGGCGTTGCACTTCACCAGCCGCT-3'
Protein context (NP_003995.2, residues 174-194): CPNTVDCFVS[Arg184Pro]PTEKTVFTVF